The following is an entry in ClinVar:

ClinVar aggregate classification (germline): Uncertain significance. Review status: criteria provided, multiple submitters, no conflicts (2 of 4 stars). 8 submissions from 5 submitters: Uncertain significance (8). Last evaluated 2025-10-02.

Conditions:
Basal laminar drusen. Also called: DRUSEN OF BRUCH MEMBRANE; DRUSEN, CUTICULAR; DRUSEN, EARLY ADULT-ONSET, GROUPED. Identifiers: Orphanet 75376, MedGen C0730295, MONDO:0007472, OMIM 126700.
Factor H deficiency (CFHD). Also called: CFH DEFICIENCY; COMPLEMENT FACTOR H DEFICIENCY. Identifiers: Orphanet 200421, MedGen C0398777, MONDO:0012350, OMIM 609814.
Age related macular degeneration 4. Identifiers: MedGen C1853147, MONDO:0012540, OMIM 610698.
Hemolytic uremic syndrome, atypical, susceptibility to, 1. Also called: AHUS, SUSCEPTIBILITY TO, 1. Identifiers: Orphanet 2134, Orphanet 90038, MedGen C2749604, MONDO:0009335, OMIM 235400. Disease mechanism: Other.
Atypical hemolytic-uremic syndrome. Identifiers: Orphanet 2134, MedGen C2931788, MONDO:0016244.
Inborn genetic diseases. Identifiers: MedGen C0950123, MeSH D030342.

Allele frequency attached by ClinVar (database versions not stated): 1000 Genomes Project 0.00040; TOPMed below 0.00001; gnomAD 0.00002; gnomAD exomes 0.00005 and 0.00010; ExAC 0.00012; 1000 Genomes Project 30x 0.00031.
gnomAD v4.1: 72 of 1,611,440 alleles (0.0045%); highest among the groups gnomAD compares: South Asian, 0.071%; no homozygotes.

Submissions (8):

Genomenon, Inc
Classification: Uncertain significance for Atypical hemolytic-uremic syndrome. Last evaluated: 2025-10-02. Review status: criteria provided, single submitter. Criteria: Genomenon Sequence Variant Interpretation Standards - Updated. Collection method: curation. Allele origin: germline. Affected: yes.
Comment: CFH p.Val111Glu (c.332T>A) is a missense variant that changes the amino acid at residue 111 from Valine to Glutamic acid. This variant has been observed in at least one proband affected with atypical hemolytic-uremic syndrome (PMID:23431077;21717289). Functional studies have been reported (PMID:34189567). In conclusion, we classify CFH p.Val111Glu (c.332T>A) as a variant of uncertain significance.

Ambry Genetics
Classification: Uncertain significance for Inborn genetic diseases. Last evaluated: 2025-05-09. Review status: criteria provided, single submitter. Criteria: Ambry Variant Classification Scheme 2023. Collection method: clinical testing. Allele origin: germline.

Labcorp Genetics (formerly Invitae), Labcorp
Classification: Uncertain significance. Last evaluated: 2024-06-26. Review status: criteria provided, single submitter. Criteria: Invitae Variant Classification Sherloc (09022015). Collection method: clinical testing. Allele origin: germline.
Comment: This sequence change replaces valine, which is neutral and non-polar, with glutamic acid, which is acidic and polar, at codon 111 of the CFH protein (p.Val111Glu). This variant is present in population databases (rs576819823, gnomAD 0.08%). This missense change has been observed in individual(s) with atypical hemolytic uremic syndrome (PMID: 23431077). ClinVar contains an entry for this variant (Variation ID: 1403151). An algorithm developed to predict the effect of missense changes on protein structure and function (PolyPhen-2) suggests that this variant is likely to be tolerated. Experimental studies have shown that this missense change does not substantially affect CFH function (PMID: 34189567). In summary, the available evidence is currently insufficient to determine the role of this variant in disease. Therefore, it has been classified as a Variant of Uncertain Significance.

Genome-Nilou Lab
Classification: Uncertain significance for Hemolytic uremic syndrome, atypical, susceptibility to, 1. Last evaluated: 2023-04-11. Review status: criteria provided, single submitter. Criteria: ACMG Guidelines, 2015. Collection method: clinical testing. Allele origin: germline. Affected: no.

Genome-Nilou Lab
Classification: Uncertain significance for Age related macular degeneration 4. Last evaluated: 2023-04-11. Review status: criteria provided, single submitter. Criteria: ACMG Guidelines, 2015. Collection method: clinical testing. Allele origin: germline. Affected: no.

Genome-Nilou Lab
Classification: Uncertain significance for Basal laminar drusen. Last evaluated: 2023-04-11. Review status: criteria provided, single submitter. Criteria: ACMG Guidelines, 2015. Collection method: clinical testing. Allele origin: germline. Affected: no.

Genome-Nilou Lab
Classification: Uncertain significance for Factor H deficiency. Last evaluated: 2023-04-11. Review status: criteria provided, single submitter. Criteria: ACMG Guidelines, 2015. Collection method: clinical testing. Allele origin: germline. Affected: no.

Fulgent Genetics
Classification: Uncertain significance for Basal laminar drusen; Hemolytic uremic syndrome, atypical, susceptibility to, 1; Factor H deficiency; Age related macular degeneration 4. Last evaluated: 2021-12-29. Review status: criteria provided, single submitter. Criteria: ACMG Guidelines, 2015. Collection method: clinical testing. Allele origin: unknown.

Literature cited by the submitters: PubMed 23431077 (cited by 3 submitters); PubMed 21717289 (cited by Genomenon, Inc and Ambry Genetics); PubMed 34189567 (cited by 3 submitters).

NM_000186.4(CFH):c.332T>A (p.Val111Glu)

Gene: CFH (complement factor H; plus strand). Cytogenetic location: 1q31.3.
Variant type: single nucleotide variant.
Coding change: c.332T>A on transcript NM_000186.4 (MANE Select); coding-DNA position 332, T replaced by A.
Protein change: p.Val111Glu; replaces valine 111 with glutamic acid.
Molecular consequence: missense variant.
Genome position (GRCh38, 1-based): chr1:196,673,944, T>A. VCF-style: chr1-196673944-T-A. GRCh37 (hg19) VCF-style: chr1-196643074-T-A.
Other names: c.332T>A, p.Val111Glu (NM_001014975.3); c.332T>A (NM_000186.3); short protein forms V111E.
Identifiers: ClinVar variation 1403151 (VCV001403151.12), dbSNP rs576819823, ClinGen allele CA1305006.